The following is an entry in ClinVar:

NM_001330700.2(TOP2B):c.2699T>C (p.Met900Thr)

Gene: TOP2B (DNA topoisomerase II beta; minus strand). Cytogenetic location: 3p24.2.
Variant type: single nucleotide variant.
Coding change: c.2699T>C on transcript NM_001330700.2 (MANE Select); coding-DNA position 2699, T replaced by C.
Protein change: p.Met900Thr; replaces methionine 900 with threonine.
Molecular consequence: missense variant.
Genome position (GRCh38, 1-based): chr3:25,623,543, A>G on the plus strand (T>C on the coding strand, the complement: TOP2B is on the minus strand). VCF-style: chr3-25623543-A-G. GRCh37 (hg19) VCF-style: chr3-25665034-A-G.
Other names: c.2684T>C, p.Met895Thr (NM_001068.3); short protein forms M900T, M895T.
Identifiers: ClinVar variation 2093978 (VCV002093978.4), dbSNP rs1172324114, ClinGen allele CA351900382.
Genomic context (GRCh38, chr3:25,623,543, plus strand): 5'-TGTTAAATAAATAATAAGTTCCAAATAATTACCATGGGATGAGGATCCAGGCCATCTAGC[A>G]TTCGTCTGACATTGTTCACAATTTCCCTAGCATCATAGTTGGGTAGTTTACAAGCCCATC-3'
Protein context (NP_001317629.1, residues 890-910): AREIVNNVRR[Met900Thr]LDGLDPHPML

ClinVar aggregate classification (germline): Uncertain significance (1 of 4 stars; one submission).

Allele frequency attached by ClinVar (database versions not stated): gnomAD exomes below 0.00001; TOPMed below 0.00001; gnomAD 0.00001.
gnomAD v4.1: 3 of 1,613,852 alleles (0.00019%); highest among the groups gnomAD compares: Non-Finnish European, 0.00025%; no homozygotes.

Submission:

Labcorp Genetics (formerly Invitae), Labcorp
Classification: Uncertain significance. Last evaluated: 2022-02-06. Review status: criteria provided, single submitter. Criteria: Invitae Variant Classification Sherloc (09022015). Collection method: clinical testing. Allele origin: germline.
Comment: In summary, the available evidence is currently insufficient to determine the role of this variant in disease. Therefore, it has been classified as a Variant of Uncertain Significance. Algorithms developed to predict the effect of missense changes on protein structure and function are either unavailable or do not agree on the potential impact of this missense change (SIFT: "Deleterious"; PolyPhen-2: "Benign"; Align-GVGD: "Class C45"). This variant has not been reported in the literature in individuals affected with TOP2B-related conditions. This variant is present in population databases (no rsID available, gnomAD 0.007%). This sequence change replaces methionine, which is neutral and non-polar, with threonine, which is neutral and polar, at codon 895 of the TOP2B protein (p.Met895Thr).